The following is an entry in ClinVar:

ClinVar aggregate classification (germline): Uncertain significance (1 of 4 stars; one submission).

Submission:

Women's Health and Genetics/Laboratory Corporation of America, LabCorp
Classification: Uncertain significance. Last evaluated: 2025-10-27. Review status: criteria provided, single submitter. Criteria: LabCorp Variant Classification Summary - May 2015. Collection method: clinical testing. Allele origin: germline.
Comment: Variant summary: AEBP1 c.1823C>G (p.Pro608Arg) results in a non-conservative amino acid change in the encoded protein sequence. Algorithms developed to predict the effect of missense changes on protein structure and function are either unavailable or do not agree on the potential impact of this missense change. The variant was absent in 248130 control chromosomes. The available data on variant occurrences in the general population are insufficient to allow any conclusion about variant significance. To our knowledge, no occurrence of c.1823C>G in individuals affected with AEBP1-related conditions and no experimental evidence demonstrating its impact on protein function have been reported. No submitters have cited clinical-significance assessments for this variant to ClinVar. Based on the evidence outlined above, the variant was classified as uncertain significance.

NM_001129.5(AEBP1):c.1823C>G (p.Pro608Arg)

Gene: AEBP1 (AE binding protein 1; plus strand). Cytogenetic location: 7p13.
Variant type: single nucleotide variant.
Coding change: c.1823C>G on transcript NM_001129.5 (MANE Select); coding-DNA position 1823, C replaced by G.
Protein change: p.Pro608Arg; replaces proline 608 with arginine.
Molecular consequence: missense variant.
Genome position (GRCh38, 1-based): chr7:44,111,613, C>G. VCF-style: chr7-44111613-C-G. GRCh37 (hg19) VCF-style: chr7-44151212-C-G.
Other names: short protein forms P608R.
Identifiers: ClinVar variation 4687725 (VCV004687725.1).